The following is an entry in ClinVar:

NM_003640.5(ELP1):c.602G>A (p.Arg201Gln)

Gene: ELP1 (elongator acetyltransferase complex subunit 1; minus strand). Cytogenetic location: 9q31.3.
Variant type: single nucleotide variant.
Coding change: c.602G>A on transcript NM_003640.5 (MANE Select); coding-DNA position 602, G replaced by A.
Protein change: p.Arg201Gln; replaces arginine 201 with glutamine.
Molecular consequence: missense variant. On other transcripts: intron variant (1).
Genome position (GRCh38, 1-based): chr9:108,919,300, C>T on the plus strand (G>A on the coding strand, the complement: ELP1 is on the minus strand). VCF-style: chr9-108919300-C-T. GRCh37 (hg19) VCF-style: chr9-111681580-C-T.
Other names: c.602G>A (LRG_251t1); c.260G>A, p.Arg87Gln (NM_001318360.2); c.-307-1630G>A (NM_001330749.2); short protein forms R87Q, R201Q.
Identifiers: ClinVar variation 659216 (VCV000659216.28), dbSNP rs367552387, ClinGen allele CA5175299.

ClinVar aggregate classification (germline): Uncertain significance. Review status: criteria provided, multiple submitters, no conflicts (2 of 4 stars). 6 submissions from 6 submitters: Uncertain significance (5). 1 of the submissions does not count toward it. Last evaluated 2026-05-28.

Conditions:
Familial dysautonomia. Also called: HSAN III; FD. Identifiers: Orphanet 1764, MedGen C0013364, MONDO:0009131, OMIM 223900. Disease mechanism: loss of function.
Medulloblastoma (MDB). Also called: Medulloblastoma, somatic; MEDULLOBLASTOMA PREDISPOSITION SYNDROME. Identifiers: Orphanet 616, MedGen C0025149, MeSH D008527, MONDO:0007959, OMIM 155255, HP:0002885.

Allele frequency attached by ClinVar (database versions not stated): ESP Exome Variant Server 0.00008; TOPMed 0.00007.

Submissions (6):

Ambry Genetics
Classification: Uncertain significance. Last evaluated: 2026-05-28. Review status: criteria provided, single submitter. Criteria: Ambry Variant Classification Scheme 2023. Collection method: clinical testing. Allele origin: germline.
Comment: The p.R201Q variant (also known as c.602G>A), located in coding exon 6 of the IKBKAP gene, results from a G to A substitution at nucleotide position 602. The arginine at codon 201 is replaced by glutamine, an amino acid with highly similar properties. This amino acid position is conserved. In addition, this alteration is predicted to be deleterious by in silico analysis. Based on the available evidence, the clinical significance of this variant remains unclear.

CeGaT Center for Human Genetics Tuebingen
Classification: Uncertain significance. Last evaluated: 2024-10-01. Review status: criteria provided, single submitter. Criteria: CeGaT Center For Human Genetics Tuebingen Variant Classification Criteria Version 2. Collection method: clinical testing. Allele origin: germline. Affected: yes. Observed: 2 variant alleles.
Comment: ELP1: PM2

Fulgent Genetics
Classification: Uncertain significance for Medulloblastoma; Familial dysautonomia. Last evaluated: 2022-03-24. Review status: criteria provided, single submitter. Criteria: ACMG Guidelines, 2015. Collection method: clinical testing. Allele origin: unknown.

Labcorp Genetics (formerly Invitae), Labcorp
Classification: Uncertain significance. Last evaluated: 2022-02-12. Review status: criteria provided, single submitter. Criteria: Invitae Variant Classification Sherloc (09022015). Collection method: clinical testing. Allele origin: germline.
Comment: This sequence change replaces arginine, which is basic and polar, with glutamine, which is neutral and polar, at codon 201 of the ELP1 protein (p.Arg201Gln). This variant is present in population databases (rs367552387, gnomAD 0.003%). This variant has not been reported in the literature in individuals affected with ELP1-related conditions. ClinVar contains an entry for this variant (Variation ID: 659216). Algorithms developed to predict the effect of missense changes on protein structure and function are either unavailable or do not agree on the potential impact of this missense change (SIFT: "Deleterious"; PolyPhen-2: "Probably Damaging"; Align-GVGD: "Class C0"). In summary, the available evidence is currently insufficient to determine the role of this variant in disease. Therefore, it has been classified as a Variant of Uncertain Significance.

GeneDx
Classification: Uncertain significance. Last evaluated: 2020-02-12. Review status: criteria provided, single submitter. Criteria: GeneDx Variant Classification Process June 2021. Collection method: clinical testing. Allele origin: germline. Affected: yes.
Comment: Not observed at a significant frequency in large population cohorts (Lek et al., 2016); In silico analysis supports that this missense variant has a deleterious effect on protein structure/function; Has not been previously published as pathogenic or benign to our knowledge

Natera, Inc.
Classification: Uncertain significance for Familial dysautonomia. Last evaluated: 2020-09-16. Review status: no assertion criteria provided. Collection method: clinical testing. Allele origin: germline. Not counted in ClinVar's aggregate classification.